The following is an entry in ClinVar:

ClinVar aggregate classification (germline): Pathogenic. Review status: criteria provided, multiple submitters, no conflicts (2 of 4 stars). 2 submissions from 2 submitters: Pathogenic (2). Last evaluated 2025-05-05.

Conditions:
Biotin-responsive basal ganglia disease (BTBGD). Also called: Thiamine Transporter-2 Deficiency; Thiamine metabolism dysfunction syndrome type 2; THIAMINE METABOLISM DYSFUNCTION SYNDROME 2 (BIOTIN- AND THIAMINE-RESPONSIVE TYPE); Thiamine metabolism dysfunction syndrome 2 (biotin- or thiamine-responsive encephalopathy type 2); thiamine-responsive encephalopathy. Identifiers: Orphanet 199348, Orphanet 65284, MedGen C1843807, MONDO:0011841, OMIM 607483.

Submissions (2):

Myriad Genetics, Inc.
Classification: Pathogenic for Biotin-responsive basal ganglia disease. Last evaluated: 2025-05-05. Review status: criteria provided, single submitter. Criteria: Myriad Autosomal Dominant, Autosomal Recessive and X-Linked Classification Criteria (2023). Collection method: clinical testing. Allele origin: unknown.
Comment: NM_025243.3(SLC19A3):c.1172+2T>G is undefined variant classified as pathogenic in the context of biotin-thiamine-responsive basal ganglia disease. c.1172+2T>G has been observed in cases with relevant disease (PMID: 34276785). Relevant functional assessments of this variant are not available in the literature. c.1172+2T>G has not been observed in referenced population frequency databases. In summary, NM_025243.3(SLC19A3):c.1172+2T>G is undefined variant in a gene where loss of function is a known mechanism of disease, is predicted to disrupt protein function, and has been observed more frequently in cases with the relevant disease than in healthy populations. Please note: this variant was assessed in the context of healthy population screening.

Labcorp Genetics (formerly Invitae), Labcorp
Classification: Pathogenic for Biotin-responsive basal ganglia disease. Last evaluated: 2025-01-27. Review status: criteria provided, single submitter. Criteria: Invitae Variant Classification Sherloc (09022015). Collection method: clinical testing. Allele origin: germline.
Comment: This sequence change affects a donor splice site in intron 4 of the SLC19A3 gene. It is expected to disrupt RNA splicing. Variants that disrupt the donor or acceptor splice site typically lead to a loss of protein function (PMID: 16199547), and loss-of-function variants in SLC19A3 are known to be pathogenic (PMID: 23423671, 23482991). This variant is not present in population databases (gnomAD no frequency). Disruption of this splice site has been observed in individual(s) with clinical features of biotin-responsive basal ganglia disease (PMID: 34276785). In at least one individual the data is consistent with being in trans (on the opposite chromosome) from a pathogenic variant. ClinVar contains an entry for this variant (Variation ID: 1505253). Algorithms developed to predict the effect of sequence changes on RNA splicing suggest that this variant may disrupt the consensus splice site. For these reasons, this variant has been classified as Pathogenic.

Literature cited by the submitters: PubMed 34276785 (cited by Myriad Genetics, Inc. and Labcorp Genetics (formerly Invitae), Labcorp); PubMed 16199547 (cited by Labcorp Genetics (formerly Invitae), Labcorp); PubMed 23423671 (cited by Labcorp Genetics (formerly Invitae), Labcorp); PubMed 23482991 (cited by Labcorp Genetics (formerly Invitae), Labcorp).

NM_025243.4(SLC19A3):c.1172+2T>G

Gene: SLC19A3 (solute carrier family 19 member 3; minus strand). Cytogenetic location: 2q36.3.
Variant type: single nucleotide variant.
Coding change: c.1172+2T>G on transcript NM_025243.4 (MANE Select); the canonical splice donor site of the intron after coding-DNA position 1172, T replaced by G.
Molecular consequence: splice donor variant.
Genome position (GRCh38, 1-based): chr2:227,695,887, A>C on the plus strand (T>G on the coding strand, the complement: SLC19A3 is on the minus strand). VCF-style: chr2-227695887-A-C. GRCh37 (hg19) VCF-style: chr2-228560603-A-C.
Other names: c.1160+2T>G (NM_001371413.1, NM_001371414.1); c.1172+2T>G (NM_001371411.1, NM_001371412.1).
Identifiers: ClinVar variation 1505253 (VCV001505253.7), dbSNP rs2106325851, ClinGen allele CA350875631.